The following is an entry in ClinVar:

ClinVar aggregate classification (germline): Uncertain significance (1 of 4 stars; one submission).

Conditions:
Cardiomyopathy (CMYO). Also called: Cardiomyopathies. Identifiers: Orphanet 167848, MedGen C0878544, MONDO:0004994, HP:0001638. Inheritance: Various modes of inheritance.

Allele frequency attached by ClinVar (database versions not stated): gnomAD exomes below 0.00001.
gnomAD v4.1: 3 of 1,609,960 alleles (0.00019%); highest among the groups gnomAD compares: East Asian, 0.0022%; no homozygotes.

Submission:

Color Diagnostics, LLC DBA Color Health
Classification: Uncertain significance for Cardiomyopathy. Last evaluated: 2025-06-02. Review status: criteria provided, single submitter. Criteria: ACMG Guidelines, 2015. Collection method: clinical testing. Allele origin: germline.
Comment: This variant results in a single nucleotide substitution in the 5' untranslated region of the TMEM43 gene. To our knowledge, functional studies have not been reported for this variant. This variant has not been reported in individuals affected with cardiovascular disorders in the literature. This variant has not been identified in the general population by the Genome Aggregation Database (gnomAD). The available evidence is insufficient to determine the role of this variant in disease conclusively. Therefore, this variant is classified as a Variant of Uncertain Significance.

NM_024334.3(TMEM43):c.-15G>A

Gene: TMEM43 (transmembrane protein 43; plus strand). Cytogenetic location: 3p25.1.
Variant type: single nucleotide variant.
Coding change: c.-15G>A on transcript NM_024334.3 (MANE Select); 15 bases upstream of the start codon, G replaced by A.
Molecular consequence: 5 prime UTR variant.
Genome position (GRCh38, 1-based): chr3:14,125,179, G>A. VCF-style: chr3-14125179-G-A. GRCh37 (hg19) VCF-style: chr3-14166679-G-A.
Identifiers: ClinVar variation 1171304 (VCV001171304.3), dbSNP rs1397752021, ClinGen allele CA541295601.